The following is an entry in ClinVar:

ClinVar aggregate classification (germline): Uncertain significance. Review status: criteria provided, multiple submitters, no conflicts (2 of 4 stars). 2 submissions from 2 submitters: Uncertain significance (2). Last evaluated 2024-04-12.

Conditions:
Cardiovascular phenotype. Identifiers: MedGen CN230736.
Hereditary cancer-predisposing syndrome. Also called: Hereditary Cancer Syndrome; Hereditary neoplastic syndrome; Neoplastic Syndromes, Hereditary; Tumor predisposition. Identifiers: Orphanet 140162, MedGen C0027672, MeSH D009386, MONDO:0015356.

Submissions (2):

Labcorp Genetics (formerly Invitae), Labcorp
Classification: Uncertain significance. Last evaluated: 2024-04-12. Review status: criteria provided, single submitter. Criteria: Invitae Variant Classification Sherloc (09022015). Collection method: clinical testing. Allele origin: germline.
Comment: This sequence change replaces glycine, which is neutral and non-polar, with aspartic acid, which is acidic and polar, at codon 5 of the LZTR1 protein (p.Gly5Asp). This variant is not present in population databases (gnomAD no frequency). This variant has not been reported in the literature in individuals affected with LZTR1-related conditions. ClinVar contains an entry for this variant (Variation ID: 1773978). Advanced modeling of protein sequence and biophysical properties (such as structural, functional, and spatial information, amino acid conservation, physicochemical variation, residue mobility, and thermodynamic stability) has been performed at Invitae for this missense variant, however the output from this modeling did not meet the statistical confidence thresholds required to predict the impact of this variant on LZTR1 protein function. In summary, the available evidence is currently insufficient to determine the role of this variant in disease. Therefore, it has been classified as a Variant of Uncertain Significance.

Ambry Genetics
Classification: Uncertain significance for Cardiovascular phenotype; Hereditary cancer-predisposing syndrome. Last evaluated: 2021-07-19. Review status: criteria provided, single submitter. Criteria: Ambry Variant Classification Scheme 2023. Collection method: clinical testing. Allele origin: germline.
Comment: The p.G5D variant (also known as c.14G>A), located in coding exon 1 of the LZTR1 gene, results from a G to A substitution at nucleotide position 14. The glycine at codon 5 is replaced by aspartic acid, an amino acid with similar properties. This amino acid position is not well conserved in available vertebrate species. In addition, this alteration is predicted to be tolerated by in silico analysis.Since supporting evidence is limited at this time, the clinical significance of this alteration remains unclear.

NM_006767.4(LZTR1):c.14G>A (p.Gly5Asp)

Genes: LZTR1 (leucine zipper like post translational regulator 1; plus strand), LOC130067016 (ATAC-STARR-seq lymphoblastoid silent region 13504; plus strand). Cytogenetic location: 22q11.21.
Variant type: single nucleotide variant.
Coding change: c.14G>A on transcript NM_006767.4 (MANE Select); coding-DNA position 14, G replaced by A.
Protein change: p.Gly5Asp; replaces glycine 5 with aspartic acid.
Molecular consequence: missense variant.
Genome position (GRCh38, 1-based): chr22:20,982,385, G>A. VCF-style: chr22-20982385-G-A. GRCh37 (hg19) VCF-style: chr22-21336674-G-A.
Other names: short protein forms G5D.
Identifiers: ClinVar variation 1773978 (VCV001773978.4), dbSNP rs1256519212, ClinGen allele CA410777416.
Genomic context (GRCh38, chr22:20,982,385, plus strand): 5'-GGCCGCAAGTTGGGCTTACAGCGCGGCCGATCCGGCGTGGACCCGGGATGGCTGGACCGG[G>A]CAGCACGGGGGGGCAGATCGGGGCTGCGGCCCTGGCAGGCGGCGCGCGGTCCAAGGTAGC-3'
Protein context (NP_006758.2, residues 1-15): MAGP[Gly5Asp]STGGQIGAAA